The following is an entry in ClinVar:

ClinVar aggregate classification (germline): Uncertain significance. Review status: criteria provided, multiple submitters, no conflicts (2 of 4 stars). 2 submissions from 2 submitters: Uncertain significance (2). Last evaluated 2023-06-27.

Conditions:
Cardiovascular phenotype. Identifiers: MedGen CN230736.
Catecholaminergic polymorphic ventricular tachycardia (CVPT). Also called: Catecholamine-induced polymorphic ventricular tachycardia. Identifiers: Orphanet 3286, MedGen C5574922, MONDO:0017990.

Allele frequency attached by ClinVar (database versions not stated): gnomAD exomes below 0.00001.
gnomAD v4.1: 2 of 1,610,888 alleles (0.00012%); highest among the groups gnomAD compares: Non-Finnish European, 0.00017%; no homozygotes.

Submissions (2):

Ambry Genetics
Classification: Uncertain significance for Cardiovascular phenotype. Last evaluated: 2023-06-27. Review status: criteria provided, single submitter. Criteria: Ambry Variant Classification Scheme 2023. Collection method: clinical testing. Allele origin: germline.
Comment: The p.V1533M variant (also known as c.4597G>A) is located in coding exon 35 of the RYR2 gene. The valine at codon 1533 is replaced by methionine, an amino acid with highly similar properties. This change occurs in the first base pair of coding exon 35. This amino acid position is highly conserved in available vertebrate species. In addition, this alteration is predicted to be deleterious by in silico analysis. Since supporting evidence is limited at this time, the clinical significance of this alteration remains unclear.

All of Us Research Program, National Institutes of Health
Classification: Uncertain significance for Catecholaminergic polymorphic ventricular tachycardia. Last evaluated: 2023-05-16. Review status: criteria provided, single submitter. Criteria: ACMG Guidelines, 2015. Collection method: clinical testing. Allele origin: germline. Inheritance: Autosomal dominant inheritance. Observed: 1 variant allele, 1 heterozygote.
Comment: This missense variant replaces valine with methionine at codon 1533 of the RYR2 protein. Computational prediction is inconclusive regarding the impact of this variant on protein structure and function (internally defined REVEL score threshold 0.5 < inconclusive < 0.7, PMID: 27666373). To our knowledge, functional studies have not been reported for this variant. This variant has not been reported in individuals affected with RYR2-related disorders in the literature. This variant has not been identified in the general population by the Genome Aggregation Database (gnomAD). The available evidence is insufficient to determine the role of this variant in disease conclusively. Therefore, this variant is classified as a Variant of Uncertain Significance.

This study involves interpretation of variants in research participants for the purpose of population health screening. Participant phenotype was not available at the time of variant classification. Additional details can be found in publication PMID: 35346344, PMCID: PMC8962531

NM_001035.3(RYR2):c.4597G>A (p.Val1533Met)

Gene: RYR2 (ryanodine receptor 2; plus strand). Cytogenetic location: 1q43.
Variant type: single nucleotide variant.
Coding change: c.4597G>A on transcript NM_001035.3 (MANE Select); coding-DNA position 4597, G replaced by A.
Protein change: p.Val1533Met; replaces valine 1533 with methionine.
Molecular consequence: missense variant.
Genome position (GRCh38, 1-based): chr1:237,602,025, G>A. VCF-style: chr1-237602025-G-A. GRCh37 (hg19) VCF-style: chr1-237765325-G-A.
Other names: short protein forms V1533M.
Identifiers: ClinVar variation 2587824 (VCV002587824.3), dbSNP rs2546697034, ClinGen allele CA345401518.
Genomic context (GRCh38, chr1:237,602,025, plus strand): 5'-AACTTTTTCCCTTGTCTTGTTTCATTACTAACATTATTAAATTCATTAAATGTATTTCAG[G>A]TGGAACCGAGTACAAAATTATTTCCTGCGGTTTTTGCACAAGCTACAAGTCCCAATGTTT-3'
Protein context (NP_001026.2, residues 1523-1543): NGKELSTYYQ[Val1533Met]EPSTKLFPAV